The following continues an entry in ClinVar:

NM_000152.5(GAA):c.1841C>T (p.Thr614Met)

Gene: GAA. ClinVar aggregate classification (germline): Likely pathogenic. Likely pathogenic (1).

Submissions 10 to 15 of 15:

ARUP Laboratories, Molecular Genetics and Genomics, ARUP Laboratories
Classification: Likely pathogenic for Glycogen storage disease, type II. Last evaluated: 2023-03-09. Review status: criteria provided, single submitter. Criteria: ARUP Molecular Germline Variant Investigation Process 2024. Collection method: clinical testing. Allele origin: germline. Not counted in ClinVar's aggregate classification.
Comment: The GAA c.1841C>T; p.Thr614Met variant (rs369531647) is reported in the literature in multiple individuals affected with Pompe disease, one individual carried a second GAA variant, and several individuals were homozygous for p.Thr614Met (Chakravorty 2020, Puri 2021, Thomas 2021). This variant is also reported in ClinVar (Variation ID: 286469). This variant is only observed on four alleles in the Genome Aggregation Database, indicating it is not a common polymorphism. Additionally, other variants at this codon (c.1841C>A, p.Thr614Lys) have been reported in individuals with Pompe disease and are considered pathogenic (Kroos 2008, Reddy 2017). Computational analyses predict that this variant is deleterious (REVEL: 0.769). Based on available information, this variant is considered to be likely pathogenic. References: Chakravorty S et al. Clinical and Genomic Evaluation of 207 Genetic Myopathies in the Indian Subcontinent. Front Neurol. 2020 Nov 5;11:559327. PMID: 33250842. Kroos M et al. Update of the Pompe disease mutation database with 107 sequence variants and a format for severity rating. Hum Mutat. 2008 Jun;29(6):E13-26. doi: 10.1002/humu.20745. PMID: 18425781. Puri RD et al. Late onset Pompe Disease in India - Beyond the Caucasian phenotype. Neuromuscul Disord. 2021 May;31(5):431-441. PMID: 33741225. Reddy HM et al. The sensitivity of exome sequencing in identifying pathogenic mutations for LGMD in the United States. J Hum Genet. 2017 Feb;62(2):243-252. PMID: 27708273. Thomas DC et al. Lysosomal storage disorders: Novel and frequent pathogenic variants in a large cohort of Indian patients of Pompe, Fabry, Gaucher and Hurler disease. Clin Biochem. 2021 Mar;89:14-37. PMID: 33301762.

Laboratory for Molecular Medicine, Mass General Brigham Personalized Medicine
Classification: Likely pathogenic for Rare genetic deafness. Last evaluated: 2022-06-30. Review status: criteria provided, single submitter. Criteria: ACMG Guidelines, 2015. Collection method: clinical testing. Allele origin: germline. Not counted in ClinVar's aggregate classification.
Comment: The p.Thr614Met variant in GAA has been previously reported in reported in three glycogen storage disease II (GSD2 aka Pompe disease) patients (Chakravorty 2020 PMID: 33250842, Puri 2021 PMID: 33741225), two of whom were homozygous for the variant and one was compound heterozygous with a loss of function variant. The variant was present in 0.01% (5/41458) of African/African American chromosomes by gnomAD; however this frequency is low enough to be consistent with a recessive allele frequency. The variant has also been reported in ClinVar (ClinVar ID 286469). In vitro studies from whole blood leukocytes of patients with the variants indicate that the variant impacts enzyme activity (Puri 2021 PMID: 33741225). In addition, computational prediction tools and conservation analysis suggest that this variant may impact the protein, though this information is not predictive enough to determine pathogenicity. Another variant involving this codon (p.Thr614Lys) has been reported as pathogenic by the ClinGen Lysosomal Storage Variant Curation Expert Panel (ClinVar ID 167113). In summary, although additional studies are required to fully establish its clinical significance, this variant meets criteria to be classified as likely pathogenic for autosomal recessive glycogen storage disease II. ACMG/AMP Criteria applied: PM3_S, PM5, PP3, PS3_P.

Women's Health and Genetics/Laboratory Corporation of America, LabCorp
Classification: Likely pathogenic for Glycogen storage disease, type II. Last evaluated: 2021-12-23. Review status: criteria provided, single submitter. Criteria: LabCorp Variant Classification Summary - May 2015. Collection method: clinical testing. Allele origin: germline. Not counted in ClinVar's aggregate classification.
Comment: Variant summary: GAA c.1841C>T (p.Thr614Met) results in a non-conservative amino acid change in the encoded protein sequence. Five of five in-silico tools predict a damaging effect of the variant on protein function. The variant allele was found at a frequency of 8.2e-06 in 244678 control chromosomes. c.1841C>T has been reported in the literature in individuals affected with Glycogen Storage Disease, Type 2 (Pompe Disease, Chakravorty_2020, Puri_2021). These data indicate that the variant may be associated with disease. At least one publication reports experimental evidence evaluating an impact on protein function. The most pronounced variant effect results in <10% of normal activity (Puri_2021). Six clinical diagnostic laboratories have submitted clinical-significance assessments for this variant to ClinVar after 2014 without evidence for independent evaluation. Multiple laboratories reported the variant with conflicting assessments (pathogenic/likely pathogenic n=3, VUS n=3). Based on the evidence outlined above, the variant was classified as likely pathogenic.

Genome-Nilou Lab
Classification: Likely pathogenic for Glycogen storage disease, type II. Last evaluated: 2021-07-22. Review status: criteria provided, single submitter. Criteria: ACMG Guidelines, 2015. Collection method: clinical testing. Allele origin: germline. Affected: no. Not counted in ClinVar's aggregate classification.

Institute of Medical Genetics and Genomics, Sir Ganga Ram Hospital
Classification: Pathogenic for Glycogen storage disease, type II. Last evaluated: 2020-10-15. Review status: criteria provided, single submitter. Criteria: ACMG Guidelines, 2015. Collection method: clinical testing. Allele origin: germline. Inheritance: Autosomal recessive inheritance. Affected: yes. Observed: 1 homozygote. Not counted in ClinVar's aggregate classification.
Comment: The variant c.1841C>T has been reported by Nallamilli et. al. 2018 PMID:30564623

Eurofins Ntd Llc (ga)
Classification: Uncertain significance. Last evaluated: 2016-02-25. Review status: criteria provided, single submitter. Criteria: EGL Classification Definitions 2015. Collection method: clinical testing. Allele origin: germline. Observed: 1 variant allele, 1 heterozygote. Not counted in ClinVar's aggregate classification.

Literature cited by the submitters: PubMed 33741225 (cited by 5 submitters); PubMed 33250842 (cited by 5 submitters); PubMed 38444573 (cited by Genomenon, Inc); PubMed 21484825 (cited by Labcorp Genetics (formerly Invitae), Labcorp); PubMed 24513544 (cited by Labcorp Genetics (formerly Invitae), Labcorp); PubMed 24590251 (cited by Labcorp Genetics (formerly Invitae), Labcorp); PubMed 27708273 (cited by Labcorp Genetics (formerly Invitae), Labcorp); PubMed 33301762 (cited by Natera, Inc. and Myriad Genetics, Inc.).